The following is an entry in ClinVar:

GRCh38/hg38 8q23.3(chr8:112550714-113129221)x1

Genes: CSMD3 (CUB and Sushi multiple domains 3; minus strand), MIR2053 (microRNA 2053; plus strand), LOC126860474 (MED14-independent group 3 enhancer GRCh37_chr8:113685670-113686869; plus strand). Cytogenetic location: 8q23.3.
Variant type: copy number loss.
Change: copy number 1 (one copy instead of two) of chr8:112,550,714-113,129,221 (578.5 kb, GRCh38 coordinates, 1-based), cytogenetic band 8q23.3.
Identifiers: ClinVar variation 4974689 (VCV004974689.1).

ClinVar aggregate classification (germline): Uncertain significance (1 of 4 stars; one submission).

Submission:

Clinical Genomics Laboratory, Laboratory for Precision Diagnostics, University of Washington
Classification: Uncertain significance. Last evaluated: 2024-05-31. Review status: criteria provided, single submitter. Criteria: ACMG/ClinGen CNV Guidelines, 2019. Collection method: clinical testing. Allele origin: unknown. Affected: yes. Observed: 1 variant allele.
Comment: The deletion is approximately 578 kb in size and removes exons 5-27 of CSMD3 (NM_198123.2 OMIM 608399). Deletion of this many coding exons is expected to cause loss of function of this copy of CSMD3. This gene is not known or predicted to cause medical problems in humans when one copy is not functioning (haploinsufficiency), and this is not a known haploinsufficient genomic region. gnomAD v4.1 has 18 exonic deletions of CSMD3 that are predicted to cause loss of function, seen in 756 out of over 120,000 alleles. This is a frequency of about 0.6%, which is probably too high for loss of function variants in CSMD3 to cause significant health problems. gnomAD v4.1 also has 347 single nucleotide or small insertion-deletion variants predicted to cause loss of function in CSMD3, seen in 585 alleles out of over 160,000 (0.3-0.4%). The DECIPHER database includes three patients (290446, 259448, 255962) with multi-exonic deletions within CSMD3. All three have some degree of intellectual disability, and the inheritance of the deletion is unknown in all three. Patient 259448 also has obesity, a short philtrum, a short second toe, short phalanx of finger, and anxiety; inheritance of the deletion is unknown. ClinVar has four small intragenic exonic deletions of CSMD3 classified as benign and six larger intragenic exonic deletions of CSMD3 classified as variants of uncertain significance. PMID:35290978 described a person with the smallest reported deletion causing Langer-Giedion syndrome and suggested that deletion of CSMD3 contributes to anomalies of the central nervous system.

Literature cited by the submitters: PubMed 35290978.